The following is an entry in ClinVar:

NM_000548.5(TSC2):c.5069-4C>T

Gene: TSC2 (TSC complex subunit 2; plus strand). Cytogenetic location: 16p13.3.
Variant type: single nucleotide variant.
Coding change: c.5069-4C>T on transcript NM_000548.5 (MANE Select); 4 bases into the intron before coding-DNA position 5069, C replaced by T.
Molecular consequence: intron variant.
Genome position (GRCh38, 1-based): chr16:2,088,044, C>T. VCF-style: chr16-2088044-C-T. GRCh37 (hg19) VCF-style: chr16-2138045-C-T.
Other names: c.5000-4C>T (NM_001114382.3); c.4940-4C>T (NM_021055.3, NM_001370405.1); c.4871-4C>T (NM_001363528.2); c.4937-4C>T (NM_001370404.1); c.4868-4C>T (NM_001077183.3); c.4760-4C>T (NM_001318827.2); c.4337-4C>T (NM_001318831.2); c.4724-4C>T (NM_001318829.2); and 1 more.
Identifiers: ClinVar variation 468136 (VCV000468136.14), dbSNP rs1555440004, ClinGen allele CA658656630.

ClinVar aggregate classification (germline): Likely benign. Review status: criteria provided, multiple submitters, no conflicts (2 of 4 stars). 4 submissions from 4 submitters: Likely benign (4). Last evaluated 2025-06-06.

Conditions:
Tuberous sclerosis syndrome (TSC). Also called: Tuberous Sclerosis Complex; Tuberous sclerosis. Identifiers: Orphanet 805, MedGen C0041341, MONDO:0001734.
Tuberous sclerosis 2 (TSC2). Identifiers: Orphanet 805, MedGen C1860707, MONDO:0013199, OMIM 613254.
Hereditary cancer-predisposing syndrome. Also called: Hereditary neoplastic syndrome; Neoplastic Syndromes, Hereditary; Tumor predisposition; Hereditary Cancer Syndrome. Identifiers: Orphanet 140162, MedGen C0027672, MeSH D009386, MONDO:0015356.

Allele frequency attached by ClinVar (database versions not stated): gnomAD exomes below 0.00001.

Submissions (4):

Myriad Genetics, Inc.
Classification: Likely benign for Tuberous sclerosis 2. Last evaluated: 2025-06-06. Review status: criteria provided, single submitter. Criteria: Myriad Autosomal Dominant, Autosomal Recessive and X-Linked Classification Criteria (2023). Collection method: clinical testing. Allele origin: unknown.
Comment: This variant is considered likely benign. This variant is intronic and is not expected to impact mRNA splicing.

Labcorp Genetics (formerly Invitae), Labcorp
Classification: Likely benign for Tuberous sclerosis 2. Last evaluated: 2023-10-12. Review status: criteria provided, single submitter. Criteria: Invitae Variant Classification Sherloc (09022015). Collection method: clinical testing. Allele origin: germline.

Ambry Genetics
Classification: Likely benign for Hereditary cancer-predisposing syndrome. Last evaluated: 2023-07-26. Review status: criteria provided, single submitter. Criteria: Ambry Variant Classification Scheme 2023. Collection method: clinical testing. Allele origin: germline.

All of Us Research Program, National Institutes of Health
Classification: Likely benign for Tuberous sclerosis syndrome. Last evaluated: 2023-06-08. Review status: criteria provided, single submitter. Criteria: ACMG Guidelines, 2015. Collection method: clinical testing. Allele origin: germline. Inheritance: Autosomal dominant inheritance. Observed: 1 variant allele, 1 heterozygote.
Comment: This study involves interpretation of variants in research participants for the purpose of population health screening. Participant phenotype was not available at the time of variant classification. Additional details can be found in publication PMID: 35346344, PMCID: PMC8962531